The following is an entry in ClinVar:

ClinVar aggregate classification (germline): Uncertain significance. Review status: criteria provided, multiple submitters, no conflicts (2 of 4 stars). 3 submissions from 3 submitters: Uncertain significance (3). Last evaluated 2024-10-11.

Conditions:
Autosomal recessive Robinow syndrome (RRS1). Also called: COSTOVERTEBRAL SEGMENTATION DEFECT WITH MESOMELIA; COVESDEM SYNDROME; ROR2-Related Robinow Syndrome; ROBINOW SYNDROME, AUTOSOMAL RECESSIVE 1. Identifiers: Orphanet 1507, Orphanet 97360, MedGen C5399974, MONDO:0009999, OMIM 268310.
Brachydactyly type B1 (BDB1). Identifiers: Orphanet 572385, Orphanet 93383, MedGen C1862112, MONDO:0007220, OMIM 113000.
Inborn genetic diseases. Identifiers: MedGen C0950123, MeSH D030342.

Allele frequency attached by ClinVar (database versions not stated): TOPMed 0.00005; ESP Exome Variant Server 0.00008.
gnomAD v4.1: 58 of 1,614,066 alleles (0.0036%); highest among the groups gnomAD compares: Non-Finnish European, 0.0046%; no homozygotes.

Submissions (3):

Ambry Genetics
Classification: Uncertain significance for Inborn genetic diseases. Last evaluated: 2024-10-11. Review status: criteria provided, single submitter. Criteria: Ambry Variant Classification Scheme 2023. Collection method: clinical testing. Allele origin: germline.

Fulgent Genetics
Classification: Uncertain significance for Brachydactyly type B1; Autosomal recessive Robinow syndrome. Last evaluated: 2024-06-04. Review status: criteria provided, single submitter. Criteria: ACMG Guidelines, 2015. Collection method: clinical testing. Allele origin: germline.

Labcorp Genetics (formerly Invitae), Labcorp
Classification: Uncertain significance. Last evaluated: 2023-12-02. Review status: criteria provided, single submitter. Criteria: Invitae Variant Classification Sherloc (09022015). Collection method: clinical testing. Allele origin: germline.
Comment: This sequence change replaces valine, which is neutral and non-polar, with methionine, which is neutral and non-polar, at codon 593 of the ROR2 protein (p.Val593Met). This variant is present in population databases (rs146067291, gnomAD 0.01%). This variant has not been reported in the literature in individuals affected with ROR2-related conditions. Advanced modeling of protein sequence and biophysical properties (such as structural, functional, and spatial information, amino acid conservation, physicochemical variation, residue mobility, and thermodynamic stability) performed at Invitae indicates that this missense variant is not expected to disrupt ROR2 protein function with a negative predictive value of 80%. In summary, the available evidence is currently insufficient to determine the role of this variant in disease. Therefore, it has been classified as a Variant of Uncertain Significance.

NM_004560.4(ROR2):c.1777G>A (p.Val593Met)

Gene: ROR2 (receptor tyrosine kinase like orphan receptor 2; minus strand). Cytogenetic location: 9q22.31.
Variant type: single nucleotide variant.
Coding change: c.1777G>A on transcript NM_004560.4 (MANE Select); coding-DNA position 1777, G replaced by A.
Protein change: p.Val593Met; replaces valine 593 with methionine.
Molecular consequence: missense variant.
Genome position (GRCh38, 1-based): chr9:91,724,717, C>T on the plus strand (G>A on the coding strand, the complement: ROR2 is on the minus strand). VCF-style: chr9-91724717-C-T. GRCh37 (hg19) VCF-style: chr9-94486999-C-T.
Other names: c.1777G>A (NM_004560.3); short protein forms V593M.
Identifiers: ClinVar variation 3014144 (VCV003014144.5), dbSNP rs146067291, ClinGen allele CA5120566.